The following is an entry in ClinVar:

NM_017763.6(RNF43):c.1644C>T (p.Val548=)

Gene: RNF43 (ring finger protein 43; minus strand). Cytogenetic location: 17q22.
Variant type: single nucleotide variant.
Coding change: c.1644C>T on transcript NM_017763.6 (MANE Select); coding-DNA position 1644, C replaced by T.
Protein change: p.Val548=; no amino-acid change (valine 548 retained).
Molecular consequence: synonymous variant.
Genome position (GRCh38, 1-based): chr17:58,358,132, G>A on the plus strand (C>T on the coding strand, the complement: RNF43 is on the minus strand). VCF-style: chr17-58358132-G-A. GRCh37 (hg19) VCF-style: chr17-56435493-G-A.
Other names: c.1644C>T, p.Val548= (NM_001305544.3, NM_001438820.1, NM_001438821.1 and 1 more transcripts); c.1263C>T, p.Val421= (NM_001305545.2, NM_001437987.1).
Identifiers: ClinVar variation 5028343 (VCV005028343.2).

ClinVar aggregate classification (germline): Benign/Likely benign. Review status: criteria provided, multiple submitters, no conflicts (2 of 4 stars). 2 submissions from 2 submitters: Benign (1); Likely benign (1). Last evaluated 2026-08-01.

Conditions:
Sessile serrated polyposis cancer syndrome (SSPCS). Identifiers: Orphanet 157798, MedGen C4310714, MONDO:0014919, OMIM 617108.

Submissions (2):

Ambry Genetics
Classification: Likely benign. Last evaluated: 2026-08-01. Review status: criteria provided, single submitter. Criteria: Ambry Variant Classification Scheme 2023. Collection method: clinical testing. Allele origin: germline.

Myriad Genetics, Inc.
Classification: Benign for Sessile serrated polyposis cancer syndrome. Last evaluated: 2026-07-02. Review status: criteria provided, single submitter. Criteria: Myriad Autosomal Dominant, Autosomal Recessive and X-Linked Classification Criteria (2023). Collection method: clinical testing. Allele origin: unknown.
Comment: This variant is considered benign. This variant is a silent/synonymous amino acid change and it is not expected to impact splicing.